The following is an entry in ClinVar:

ClinVar aggregate classification (germline): Uncertain significance (1 of 4 stars; one submission).

Conditions:
Inborn genetic diseases. Identifiers: MedGen C0950123, MeSH D030342.

Submission:

Ambry Genetics
Classification: Uncertain significance for Inborn genetic diseases. Last evaluated: 2016-11-29. Review status: criteria provided, single submitter. Criteria: Ambry Variant Classification Scheme 2023. Collection method: clinical testing. Allele origin: germline.
Comment: The p.L3544S variant (also known as c.10631T>C), located in coding exon 55 of the VPS13B gene, results from a T to C substitution at nucleotide position 10631. The leucine at codon 3544 is replaced by serine, an amino acid with dissimilar properties. This amino acid position is highly conserved in available vertebrate species. In addition, the in silico prediction for this alteration is inconclusive. Since supporting evidence is limited at this time, the clinical significance of this variant remains unclear.

NM_152564.5(VPS13B):c.10556T>C (p.Leu3519Ser)

Gene: VPS13B (vacuolar protein sorting 13 homolog B; plus strand). Cytogenetic location: 8q22.2.
Variant type: single nucleotide variant.
Coding change: c.10556T>C on transcript NM_152564.5 (MANE Select); coding-DNA position 10556, T replaced by C.
Protein change: p.Leu3519Ser; replaces leucine 3519 with serine.
Molecular consequence: missense variant.
Genome position (GRCh38, 1-based): chr8:99,853,945, T>C. VCF-style: chr8-99853945-T-C. GRCh37 (hg19) VCF-style: chr8-100866173-T-C.
Other names: c.10631T>C, p.Leu3544Ser (NM_017890.5); short protein forms L3519S, L3544S.
Identifiers: ClinVar variation 588497 (VCV000588497.5), dbSNP rs1563510051, ClinGen allele CA371783929.
Genomic context (GRCh38, chr8:99,853,945, plus strand): 5'-TTGAATTAAAACCTGCTCGGTTATACGTGGAAGACACATTTGTATACTACATCAAGACTT[T>C]GTTTGACACCTACCTTCCTAACAGCAGGTTGGCTGGTCACTCCACACACCTCTCCGGGGG-3'
Protein context (NP_689777.3, residues 3509-3529): EDTFVYYIKT[Leu3519Ser]FDTYLPNSRL